The following is an entry in ClinVar:

ClinVar aggregate classification (germline): Benign. Review status: criteria provided, multiple submitters, no conflicts (2 of 4 stars). 8 submissions from 8 submitters: Benign (6). 2 of the submissions do not count toward it. Last evaluated 2026-02-04.

Conditions:
Abetalipoproteinaemia (ABL). Also called: Abetalipoproteinemia neuropathy; Apolipoprotein B deficiency; Congenital betalipoprotein deficiency syndrome; MTP DEFICIENCY; Abetalipoproteinemia. Identifiers: Orphanet 14, MedGen C0000744, MONDO:0008692, OMIM 200100, HP:0008181.

Allele frequency attached by ClinVar (database versions not stated): gnomAD 0.10263 and 0.10642; 1000 Genomes Project 0.06050; ExAC 0.09493; TOPMed 0.10749; 1000 Genomes Project 30x 0.06090; gnomAD exomes 0.09714 and 0.11221; ESP Exome Variant Server 0.11226.
gnomAD v4.1: 180,298 of 1,613,882 alleles (11%); highest among the groups gnomAD compares: Middle Eastern, 19%; 11,288 homozygotes.

Submissions (8):

Labcorp Genetics (formerly Invitae), Labcorp
Classification: Benign. Last evaluated: 2026-02-04. Review status: criteria provided, single submitter. Criteria: Invitae Variant Classification Sherloc (09022015). Collection method: clinical testing. Allele origin: germline.

Mayo Clinic Laboratories, Mayo Clinic
Classification: Benign. Last evaluated: 2022-04-26. Review status: criteria provided, single submitter. Criteria: ACMG Guidelines, 2015. Collection method: clinical testing. Allele origin: germline. Observed: 402 variant alleles.

Women's Health and Genetics/Laboratory Corporation of America, LabCorp
Classification: Benign. Last evaluated: 2020-04-12. Review status: criteria provided, single submitter. Criteria: LabCorp Variant Classification Summary - May 2015. Collection method: clinical testing. Allele origin: germline.

GeneDx
Classification: Benign. Last evaluated: 2018-09-22. Review status: criteria provided, single submitter. Criteria: GeneDx Variant Classification Process June 2021. Collection method: clinical testing. Allele origin: germline. Affected: yes.

Illumina Laboratory Services, Illumina
Classification: Benign for Abetalipoproteinaemia. Last evaluated: 2018-01-12. Review status: criteria provided, single submitter. Criteria: ICSL Variant Classification Criteria 13 December 2019. Collection method: clinical testing. Allele origin: germline.
Comment: This variant was observed in the ICSL laboratory as part of a predisposition screen in an ostensibly healthy population. It had not been previously curated by ICSL or reported in the Human Gene Mutation Database (HGMD: prior to June 1st, 2018), and was therefore a candidate for classification through an automated scoring system. Utilizing variant allele frequency, disease prevalence and penetrance estimates, and inheritance mode, an automated score was calculated to assess if this variant is too frequent to cause the disease. Based on the score and internal cut-off values, a variant classified as benign is not then subjected to further curation. The score for this variant resulted in a classification of benign for this disease.

Breakthrough Genomics
Classification: Benign. Review status: criteria provided, single submitter. Criteria: ACMG Guidelines, 2015. Collection method: not provided. Allele origin: germline. Inheritance: Autosomal recessive inheritance. Affected: yes.

Natera, Inc.
Classification: Benign for Abetalipoproteinemia. Last evaluated: 2019-11-21. Review status: no assertion criteria provided. Collection method: clinical testing. Allele origin: germline. Not counted in ClinVar's aggregate classification.

Genetic Services Laboratory, University of Chicago
Classification: Likely benign for AllHighlyPenetrant. Review status: no assertion criteria provided. Collection method: clinical testing. Allele origin: germline. Not counted in ClinVar's aggregate classification.
Comment: Likely benign based on allele frequency in 1000 Genomes Project or ESP global frequency and its presence in a patient with a rare or unrelated disease phenotype. NOT Sanger confirmed.

NM_001386140.1(MTTP):c.969T>C (p.Ala323=)

Gene: MTTP (microsomal triglyceride transfer protein; plus strand). Cytogenetic location: 4q23.
Variant type: single nucleotide variant.
Coding change: c.969T>C on transcript NM_001386140.1 (MANE Select); coding-DNA position 969, T replaced by C.
Protein change: p.Ala323=; no amino-acid change (alanine 323 retained).
Molecular consequence: synonymous variant.
Genome position (GRCh38, 1-based): chr4:99,597,126, T>C. VCF-style: chr4-99597126-T-C. GRCh37 (hg19) VCF-style: chr4-100518283-T-C.
Other names: p.Ala323=; c.969T>C, p.Ala323= (NM_000253.4); c.720T>C, p.Ala240= (NM_001300785.2).
Identifiers: ClinVar variation 129629 (VCV000129629.24), dbSNP rs17533489, ClinGen allele CA153733.